The following is an entry in ClinVar:

ClinVar aggregate classification (germline): Uncertain significance (1 of 4 stars; one submission).

Allele frequency attached by ClinVar (database versions not stated): gnomAD 0.00001; TOPMed 0.00002.
gnomAD v4.1: 4 of 1,118,302 alleles (0.00036%); highest among the groups gnomAD compares: African/African-American, 0.0057%; no homozygotes.

Submission:

Labcorp Genetics (formerly Invitae), Labcorp
Classification: Uncertain significance. Last evaluated: 2024-04-17. Review status: criteria provided, single submitter. Criteria: Invitae Variant Classification Sherloc (09022015). Collection method: clinical testing. Allele origin: germline.
Comment: This sequence change replaces glycine, which is neutral and non-polar, with serine, which is neutral and polar, at codon 73 of the NYX protein (p.Gly73Ser). This variant is present in population databases (rs751740576, gnomAD 0.01%). This variant has not been reported in the literature in individuals affected with NYX-related conditions. ClinVar contains an entry for this variant (Variation ID: 1360995). Advanced modeling of protein sequence and biophysical properties (such as structural, functional, and spatial information, amino acid conservation, physicochemical variation, residue mobility, and thermodynamic stability) performed at Invitae indicates that this missense variant is not expected to disrupt NYX protein function with a negative predictive value of 80%. In summary, the available evidence is currently insufficient to determine the role of this variant in disease. Therefore, it has been classified as a Variant of Uncertain Significance.

NM_001378477.3(NYX):c.202G>A (p.Gly68Ser)

Gene: NYX (nyctalopin; plus strand). Cytogenetic location: Xp11.4.
Variant type: single nucleotide variant.
Coding change: c.202G>A on transcript NM_001378477.3 (MANE Select); coding-DNA position 202, G replaced by A.
Protein change: p.Gly68Ser; replaces glycine 68 with serine.
Molecular consequence: missense variant.
Genome position (GRCh38, 1-based): chrX:41,473,670, G>A. VCF-style: chrX-41473670-G-A. GRCh37 (hg19) VCF-style: chrX-41332923-G-A.
Other names: c.202G>A, p.Gly68Ser (NM_022567.3); short protein forms G68S.
Identifiers: ClinVar variation 1360995 (VCV001360995.6), dbSNP rs751740576, ClinGen allele CA10389785.